The following is an entry in ClinVar:

ClinVar aggregate classification (germline): Uncertain significance (1 of 4 stars; one submission).

Conditions:
Peutz-Jeghers syndrome (PJS). Also called: POLYPOSIS, HAMARTOMATOUS INTESTINAL; POLYPS-AND-SPOTS SYNDROME; Peutz-Jeghers polyposis; Periorificial lentiginosis syndrome. Identifiers: Orphanet 2869, MedGen C0031269, MeSH D010580, MONDO:0008280, OMIM 175200.

Submission:

Labcorp Genetics (formerly Invitae), Labcorp
Classification: Uncertain significance for Peutz-Jeghers syndrome. Last evaluated: 2024-09-09. Review status: criteria provided, single submitter. Criteria: Invitae Variant Classification Sherloc (09022015). Collection method: clinical testing. Allele origin: germline.
Comment: This sequence change replaces glycine, which is neutral and non-polar, with glutamic acid, which is acidic and polar, at codon 56 of the STK11 protein (p.Gly56Glu). This variant is not present in population databases (gnomAD no frequency). This variant has not been reported in the literature in individuals affected with STK11-related conditions. Invitae Evidence Modeling of protein sequence and biophysical properties (such as structural, functional, and spatial information, amino acid conservation, physicochemical variation, residue mobility, and thermodynamic stability) indicates that this missense variant is expected to disrupt STK11 protein function with a positive predictive value of 95%. In summary, the available evidence is currently insufficient to determine the role of this variant in disease. Therefore, it has been classified as a Variant of Uncertain Significance.

NM_000455.5(STK11):c.167G>A (p.Gly56Glu)

Gene: STK11 (serine/threonine kinase 11; plus strand). Cytogenetic location: 19p13.3.
Variant type: single nucleotide variant.
Coding change: c.167G>A on transcript NM_000455.5 (MANE Select); coding-DNA position 167, G replaced by A.
Protein change: p.Gly56Glu; replaces glycine 56 with glutamic acid.
Molecular consequence: missense variant. On other transcripts: non-coding transcript variant (1).
Genome position (GRCh38, 1-based): chr19:1,207,080, G>A. VCF-style: chr19-1207080-G-A. GRCh37 (hg19) VCF-style: chr19-1207079-G-A.
Other names: c.167G>A, p.Gly56Glu (NM_001407255.1); short protein forms G56E.
Identifiers: ClinVar variation 3667159 (VCV003667159.2).
Genomic context (GRCh38, chr19:1,207,080, plus strand): 5'-ACCAGCCGCGCCGCAAGCGGGCCAAGCTCATCGGCAAGTACCTGATGGGGGACCTGCTGG[G>A]GGAAGGCTCTTACGGCAAGGTGAAGGAGGTGCTGGACTCGGAGACGCTGTGCAGGAGGGC-3'
Protein context (NP_000446.1, residues 46-66): IGKYLMGDLL[Gly56Glu]EGSYGKVKEV